The following is an entry in ClinVar:

ClinVar aggregate classification (germline): Uncertain significance. Review status: criteria provided, multiple submitters, no conflicts (2 of 4 stars). 2 submissions from 2 submitters: Uncertain significance (2). Last evaluated 2025-01-13.

Conditions:
Familial cancer of breast. Also called: hereditary breast carcinoma; Hereditary breast cancer; BREAST CANCER, FAMILIAL. Identifiers: Orphanet 227535, MedGen C0346153, MONDO:0016419, OMIM 114480. Disease mechanism: loss of function.

Submissions (2):

Women's Health and Genetics/Laboratory Corporation of America, LabCorp
Classification: Uncertain significance. Last evaluated: 2025-01-13. Review status: criteria provided, single submitter. Criteria: LabCorp Variant Classification Summary - May 2015. Collection method: clinical testing. Allele origin: germline.
Comment: Variant summary: PALB2 c.2578G>A (p.Glu860Lys) results in a conservative amino acid change located in the Partner and localizer of BRCA2 WD40 domain (IPR031920) of the encoded protein sequence. Five of five in-silico tools predict a benign effect of the variant on protein function. The variant was absent in 251152 control chromosomes. The available data on variant occurrences in the general population are insufficient to allow any conclusion about variant significance. To our knowledge, no occurrence of c.2578G>A in individuals affected with Breast Cancer and no experimental evidence demonstrating its impact on protein function have been reported. ClinVar contains an entry for this variant (Variation ID: 2708468). Based on the evidence outlined above, the variant was classified as uncertain significance.

Labcorp Genetics (formerly Invitae), Labcorp
Classification: Uncertain significance for Familial cancer of breast. Last evaluated: 2024-07-17. Review status: criteria provided, single submitter. Criteria: Invitae Variant Classification Sherloc (09022015). Collection method: clinical testing. Allele origin: germline.
Comment: This sequence change replaces glutamic acid, which is acidic and polar, with lysine, which is basic and polar, at codon 860 of the PALB2 protein (p.Glu860Lys). This variant is not present in population databases (gnomAD no frequency). This variant has not been reported in the literature in individuals affected with PALB2-related conditions. Advanced modeling of protein sequence and biophysical properties (such as structural, functional, and spatial information, amino acid conservation, physicochemical variation, residue mobility, and thermodynamic stability) performed at Invitae indicates that this missense variant is not expected to disrupt PALB2 protein function with a negative predictive value of 80%. In summary, the available evidence is currently insufficient to determine the role of this variant in disease. Therefore, it has been classified as a Variant of Uncertain Significance.

NM_024675.4(PALB2):c.2578G>A (p.Glu860Lys)

Gene: PALB2 (partner and localizer of BRCA2; minus strand). Cytogenetic location: 16p12.2.
Variant type: single nucleotide variant.
Coding change: c.2578G>A on transcript NM_024675.4 (MANE Select); coding-DNA position 2578, G replaced by A.
Protein change: p.Glu860Lys; replaces glutamic acid 860 with lysine.
Molecular consequence: missense variant. On other transcripts: intron variant (1).
Genome position (GRCh38, 1-based): chr16:23,629,212, C>T on the plus strand (G>A on the coding strand, the complement: PALB2 is on the minus strand). VCF-style: chr16-23629212-C-T. GRCh37 (hg19) VCF-style: chr16-23640533-C-T.
Other names: c.2518G>A, p.Glu840Lys (NM_001407296.1); c.2578G>A, p.Glu860Lys (NM_001407298.1, NM_001407299.1, NM_001407300.1 and 2 more transcripts); c.1693G>A, p.Glu565Lys (NM_001407304.1, NM_001407305.1, NM_001407306.1 and 5 more transcripts); c.790G>A, p.Glu264Lys (NM_001407312.1, NM_001407313.1); c.112G>A, p.Glu38Lys (NM_001407314.1); c.2514+428G>A (NM_001407297.1); short protein forms E38K, E860K, E264K, E565K, E840K.
Identifiers: ClinVar variation 2708468 (VCV002708468.5), dbSNP rs1966853670, ClinGen allele CA395123665.